The following is an entry in ClinVar:

NM_178138.6(LHX3):c.1001T>C (p.Leu334Pro)

Gene: LHX3 (LIM homeobox 3; minus strand). Cytogenetic location: 9q34.3.
Variant type: single nucleotide variant.
Coding change: c.1001T>C on transcript NM_178138.6 (MANE Select); coding-DNA position 1001, T replaced by C.
Protein change: p.Leu334Pro; replaces leucine 334 with proline.
Molecular consequence: missense variant.
Genome position (GRCh38, 1-based): chr9:136,197,518, A>G on the plus strand (T>C on the coding strand, the complement: LHX3 is on the minus strand). VCF-style: chr9-136197518-A-G. GRCh37 (hg19) VCF-style: chr9-139089364-A-G.
Other names: c.968T>C, p.Leu323Pro (NM_001363746.1); c.1016T>C, p.Leu339Pro (NM_014564.5); short protein forms L323P, L339P, L334P.
Identifiers: ClinVar variation 4692376 (VCV004692376.1).

ClinVar aggregate classification (germline): Uncertain significance (1 of 4 stars; one submission).

gnomAD v4.1: 9 of 1,531,002 alleles (0.00059%); highest among the groups gnomAD compares: Non-Finnish European, 0.00079%; no homozygotes.

Submission:

Labcorp Genetics (formerly Invitae), Labcorp
Classification: Uncertain significance. Last evaluated: 2025-10-10. Review status: criteria provided, single submitter. Criteria: Invitae Variant Classification Sherloc (09022015). Collection method: clinical testing. Allele origin: germline.
Comment: This sequence change replaces leucine, which is neutral and non-polar, with proline, which is neutral and non-polar, at codon 339 of the LHX3 protein (p.Leu339Pro). This variant is present in population databases (no rsID available, gnomAD 0.06%). This variant has not been reported in the literature in individuals affected with LHX3-related conditions. An algorithm developed to predict the effect of missense changes on protein structure and function (PolyPhen-2) suggests that this variant is likely to be disruptive. In summary, the available evidence is currently insufficient to determine the role of this variant in disease. Therefore, it has been classified as a Variant of Uncertain Significance.